The following is an entry in ClinVar:

ClinVar aggregate classification (germline): Pathogenic/Likely pathogenic. Review status: criteria provided, multiple submitters, no conflicts (2 of 4 stars). 2 submissions from 2 submitters: Pathogenic (1); Likely pathogenic (1). Last evaluated 2024-02-27.

Conditions:
Mulibrey nanism syndrome. Also called: MUSCLE-LIVER-BRAIN-EYE NANISM; PERHEENTUPA SYNDROME; PERICARDIAL CONSTRICTION AND GROWTH FAILURE. Identifiers: Orphanet 2576, MedGen C0524582, MONDO:0009664, OMIM 253250.

Allele frequency attached by ClinVar (database versions not stated): ExAC 0.00001; gnomAD 0.00001; gnomAD exomes 0.00002; TOPMed 0.00002; ESP Exome Variant Server 0.00008.
gnomAD v4.1: 24 of 1,611,272 alleles (0.0015%); highest among the groups gnomAD compares: Non-Finnish European, 0.0019%; no homozygotes.

Submissions (2):

Labcorp Genetics (formerly Invitae), Labcorp
Classification: Pathogenic. Last evaluated: 2024-02-27. Review status: criteria provided, single submitter. Criteria: Invitae Variant Classification Sherloc (09022015). Collection method: clinical testing. Allele origin: germline.
Comment: This sequence change creates a premature translational stop signal (p.Glu89*) in the TRIM37 gene. It is expected to result in an absent or disrupted protein product. Loss-of-function variants in TRIM37 are known to be pathogenic (PMID: 10888877, 15108285). The frequency data for this variant in the population databases is considered unreliable, as metrics indicate poor data quality at this position in the gnomAD database. This variant has not been reported in the literature in individuals affected with TRIM37-related conditions. For these reasons, this variant has been classified as Pathogenic.

Baylor Genetics
Classification: Likely pathogenic for Mulibrey nanism syndrome. Last evaluated: 2023-04-10. Review status: criteria provided, single submitter. Criteria: ACMG Guidelines, 2015. Collection method: clinical testing. Allele origin: unknown.

Literature cited by the submitters: PubMed 10888877 (cited by Labcorp Genetics (formerly Invitae), Labcorp); PubMed 15108285 (cited by Labcorp Genetics (formerly Invitae), Labcorp).

NM_015294.6(TRIM37):c.265G>T (p.Glu89Ter)

Gene: TRIM37 (tripartite motif containing 37; minus strand). Cytogenetic location: 17q22.
Variant type: single nucleotide variant.
Coding change: c.265G>T on transcript NM_015294.6 (MANE Select); coding-DNA position 265, G replaced by T.
Protein change: p.Glu89Ter; replaces glutamic acid 89 with a stop codon.
Molecular consequence: nonsense. On other transcripts: 5 prime UTR variant (3), non-coding transcript variant (2).
Genome position (GRCh38, 1-based): chr17:59,088,307, C>A on the plus strand (G>T on the coding strand, the complement: TRIM37 is on the minus strand). VCF-style: chr17-59088307-C-A. GRCh37 (hg19) VCF-style: chr17-57165668-C-A.
Other names: c.265G>T, p.Glu89Ter (NM_001005207.5, NM_001320988.3, NM_001320989.3 and 2 more transcripts); c.163G>T, p.Glu55Ter (NM_001320987.3, NM_001353082.2); c.-102G>T (NM_001320990.3); c.-488G>T (NM_001353083.2); c.-110G>T (NM_001353085.2); short protein forms E55*, E89*.
Identifiers: ClinVar variation 2679257 (VCV002679257.3), dbSNP rs138861038, ClinGen allele CA8678674.
Genomic context (GRCh38, chr17:59,088,307, plus strand): 5'-AGGCAAAATCCATTCAATATTGAACAAAGAAATTGAGGACATACTTGTCCTTTTCATTTT[C>A]TTCATGTTTGGTGAGACTGCAGAGTTGAAGAGTATCAAGCTGTTGTGTTACTTCTTCTGC-3'